The following is an entry in ClinVar:

ClinVar aggregate classification (germline): Uncertain significance (1 of 4 stars; one submission).

Submission:

Labcorp Genetics (formerly Invitae), Labcorp
Classification: Uncertain significance. Last evaluated: 2022-02-11. Review status: criteria provided, single submitter. Criteria: Invitae Variant Classification Sherloc (09022015). Collection method: clinical testing. Allele origin: germline.
Comment: In summary, the available evidence is currently insufficient to determine the role of this variant in disease. Therefore, it has been classified as a Variant of Uncertain Significance. Experimental studies and prediction algorithms are not available or were not evaluated, and the functional significance of this variant is currently unknown. This variant has not been reported in the literature in individuals affected with NR2E3-related conditions. This variant is not present in population databases (gnomAD no frequency). This sequence change replaces glutamic acid, which is acidic and polar, with lysine, which is basic and polar, at codon 401 of the NR2E3 protein (p.Glu401Lys).

NM_014249.4(NR2E3):c.1201G>A (p.Glu401Lys)

Gene: NR2E3 (nuclear receptor subfamily 2 group E member 3; plus strand). Cytogenetic location: 15q23.
Variant type: single nucleotide variant.
Coding change: c.1201G>A on transcript NM_014249.4 (MANE Select); coding-DNA position 1201, G replaced by A.
Protein change: p.Glu401Lys; replaces glutamic acid 401 with lysine.
Molecular consequence: missense variant.
Genome position (GRCh38, 1-based): chr15:71,817,652, G>A. VCF-style: chr15-71817652-G-A. GRCh37 (hg19) VCF-style: chr15-72109993-G-A.
Other names: short protein forms E401K.
Identifiers: ClinVar variation 2096507 (VCV002096507.4), dbSNP rs2543261025, ClinGen allele CA393041621.